The following is an entry in ClinVar:

ClinVar aggregate classification (germline): Uncertain significance. Review status: criteria provided, multiple submitters, no conflicts (2 of 4 stars). 4 submissions from 4 submitters: Uncertain significance (4). Last evaluated 2024-12-10.

Conditions:
Inborn genetic diseases. Identifiers: MedGen C0950123, MeSH D030342.
Autosomal recessive hypophosphatemic bone disease (HHRH). Also called: Hypophosphatemic rickets with hypercalciuria; HYPERCALCIURIC RICKETS. Identifiers: Orphanet 157215, MedGen C1853271, MONDO:0009431, OMIM 241530.

Allele frequency attached by ClinVar (database versions not stated): gnomAD 0.00001; TOPMed 0.00001; 1000 Genomes Project 30x 0.00016; 1000 Genomes Project 0.00020.
gnomAD v4.1: 17 of 1,612,352 alleles (0.0011%); highest among the groups gnomAD compares: Middle Eastern, 0.016%; no homozygotes.

Submissions (4):

Ambry Genetics
Classification: Uncertain significance for Inborn genetic diseases. Last evaluated: 2024-12-10. Review status: criteria provided, single submitter. Criteria: Ambry Variant Classification Scheme 2023. Collection method: clinical testing. Allele origin: germline.

Fulgent Genetics
Classification: Uncertain significance for Autosomal recessive hypophosphatemic bone disease. Last evaluated: 2024-02-20. Review status: criteria provided, single submitter. Criteria: ACMG Guidelines, 2015. Collection method: clinical testing. Allele origin: germline.

Labcorp Genetics (formerly Invitae), Labcorp
Classification: Uncertain significance. Last evaluated: 2022-04-22. Review status: criteria provided, single submitter. Criteria: Invitae Variant Classification Sherloc (09022015). Collection method: clinical testing. Allele origin: germline.
Comment: This sequence change replaces valine, which is neutral and non-polar, with isoleucine, which is neutral and non-polar, at codon 73 of the SLC34A3 protein (p.Val73Ile). This variant is present in population databases (rs199624248, gnomAD 0.02%). This variant has not been reported in the literature in individuals affected with SLC34A3-related conditions. Algorithms developed to predict the effect of missense changes on protein structure and function output the following: SIFT: "Tolerated"; PolyPhen-2: "Benign"; Align-GVGD: "Class C0". The isoleucine amino acid residue is found in multiple mammalian species, which suggests that this missense change does not adversely affect protein function. In summary, the available evidence is currently insufficient to determine the role of this variant in disease. Therefore, it has been classified as a Variant of Uncertain Significance.

Breakthrough Genomics
Classification: Uncertain significance. Review status: criteria provided, single submitter. Criteria: ACMG Guidelines, 2015. Collection method: not provided. Allele origin: germline. Inheritance: Autosomal recessive inheritance. Affected: yes.

NM_001177316.2(SLC34A3):c.217G>A (p.Val73Ile)

Gene: SLC34A3 (solute carrier family 34 member 3; plus strand). Cytogenetic location: 9q34.3.
Variant type: single nucleotide variant.
Coding change: c.217G>A on transcript NM_001177316.2 (MANE Select); coding-DNA position 217, G replaced by A.
Protein change: p.Val73Ile; replaces valine 73 with isoleucine.
Molecular consequence: missense variant.
Genome position (GRCh38, 1-based): chr9:137,232,616, G>A. VCF-style: chr9-137232616-G-A. GRCh37 (hg19) VCF-style: chr9-140127068-G-A.
Other names: c.217G>A (NM_080877.2); c.217G>A, p.Val73Ile (NM_001177317.2, NM_080877.3); short protein forms V73I.
Identifiers: ClinVar variation 2169273 (VCV002169273.4), dbSNP rs199624248, ClinGen allele CA5364284.